The following is an entry in ClinVar:

NM_000463.3(UGT1A1):c.527C>T (p.Pro176Leu)

Genes: UGT1A (UDP glucuronosyltransferase family 1 member A complex locus; plus strand), UGT1A1 (UDP glucuronosyltransferase family 1 member A1; plus strand), UGT1A10 (UDP glucuronosyltransferase family 1 member A10; plus strand), UGT1A3 (UDP glucuronosyltransferase family 1 member A3; plus strand), UGT1A4 (UDP glucuronosyltransferase family 1 member A4; plus strand) and 5 more. Cytogenetic location: 2q37.1.
Variant type: single nucleotide variant.
Coding change: c.527C>T on transcript NM_000463.3 (MANE Select); coding-DNA position 527, C replaced by T.
Protein change: p.Pro176Leu; replaces proline 176 with leucine.
Molecular consequence: missense variant. On other transcripts: intron variant (9).
Genome position (GRCh38, 1-based): chr2:233,760,814, C>T. VCF-style: chr2-233760814-C-T. GRCh37 (hg19) VCF-style: chr2-234669460-C-T.
Other names: c.856-6220C>T (NM_019076.5, NM_019075.4, NM_021027.3 and 1 more transcripts); c.61-6220C>T (NM_205862.3); c.862-6220C>T (NM_001072.4); c.868-6220C>T (NM_019078.2, NM_007120.3, NM_019093.4); short protein forms P176L.
Identifiers: ClinVar variation 3769451 (VCV003769451.2).

ClinVar aggregate classification (germline): Uncertain significance (1 of 4 stars; one submission).

Submission:

Women's Health and Genetics/Laboratory Corporation of America, LabCorp
Classification: Uncertain significance. Last evaluated: 2025-01-24. Review status: criteria provided, single submitter. Criteria: LabCorp Variant Classification Summary - May 2015. Collection method: clinical testing. Allele origin: germline.
Comment: Variant summary: UGT1A1 c.527C>T (p.Pro176Leu) results in a non-conservative amino acid change in the encoded protein sequence. Three of five in-silico tools predict a benign effect of the variant on protein function. The variant was absent in 251312 control chromosomes. c.527C>T has been reported in the literature in at least one homozygous individual affected with Crigler-Najjar syndrome (Nair_2012). These data indicate that the variant may be associated with disease. To our knowledge, no experimental evidence demonstrating an impact on protein function has been reported. The following publication have been ascertained in the context of this evaluation (PMID: 23162302). No submitters have cited clinical-significance assessments for this variant to ClinVar. Based on the evidence outlined above, the variant was classified as VUS-possibly pathogenic.

Literature cited by the submitters: PubMed 23162302.